The following is an entry in ClinVar:

ClinVar aggregate classification (germline): Uncertain significance. Review status: criteria provided, multiple submitters, no conflicts (2 of 4 stars). 4 submissions from 4 submitters: Uncertain significance (4). Last evaluated 2025-03-27.

Conditions:
Sessile serrated polyposis cancer syndrome (SSPCS). Identifiers: Orphanet 157798, MedGen C4310714, MONDO:0014919, OMIM 617108.

Allele frequency attached by ClinVar (database versions not stated): gnomAD exomes below 0.00001; TOPMed below 0.00001.

Submissions (5):

Ambry Genetics
Classification: Uncertain significance. Last evaluated: 2025-03-27. Review status: criteria provided, single submitter. Criteria: Ambry Variant Classification Scheme 2023. Collection method: clinical testing. Allele origin: germline.
Comment: The p.R286Q variant (also known as c.857G>A), located in coding exon 7 of the RNF43 gene, results from a G to A substitution at nucleotide position 857. The arginine at codon 286 is replaced by glutamine, an amino acid with highly similar properties. This amino acid position is highly conserved in available vertebrate species. In addition, the in silico prediction for this alteration is inconclusive. The evidence for this gene-disease relationship is limited; therefore, the clinical significance of this alteration is unclear.

Labcorp Genetics (formerly Invitae), Labcorp
Classification: Uncertain significance. Last evaluated: 2025-02-10. Review status: criteria provided, single submitter. Criteria: Invitae Variant Classification Sherloc (09022015). Collection method: clinical testing. Allele origin: germline.
Comment: This sequence change replaces arginine, which is basic and polar, with glutamine, which is neutral and polar, at codon 286 of the RNF43 protein (p.Arg286Gln). This variant is present in population databases (no rsID available, gnomAD 0.0009%). This variant has not been reported in the literature in individuals affected with RNF43-related conditions. ClinVar contains an entry for this variant (Variation ID: 1449768). An algorithm developed to predict the effect of missense changes on protein structure and function (PolyPhen-2) suggests that this variant is likely to be disruptive. In summary, the available evidence is currently insufficient to determine the role of this variant in disease. Therefore, it has been classified as a Variant of Uncertain Significance.

Baylor Genetics
Classification: Uncertain significance for Sessile serrated polyposis cancer syndrome. Last evaluated: 2023-10-09. Review status: criteria provided, single submitter. Criteria: ACMG Guidelines, 2015. Collection method: clinical testing. Allele origin: unknown.

GeneDx
Classification: Uncertain significance. Last evaluated: 2022-02-01. Review status: criteria provided, single submitter. Criteria: GeneDx Variant Classification Process June 2021. Collection method: clinical testing. Allele origin: germline. Affected: yes.
Comment: Not observed at significant frequency in large population cohorts (gnomAD); In silico analysis supports that this missense variant has a deleterious effect on protein structure/function; Has not been previously published as pathogenic or benign to our knowledge; Variants in candidate genes are classified as variants of uncertain significance in accordance with ACMG guidelines (Richards et al., 2015)

Dr. Peter K. Rogan Lab, Western University
No classification provided (evidence only). Condition: Colon adenocarcinoma. Review status: no classification provided. Collection method: in vitro. Allele origin: not applicable. Functional consequence: retained intron. Not counted in ClinVar's aggregate classification.

NM_017763.6(RNF43):c.857G>A (p.Arg286Gln)

Gene: RNF43 (ring finger protein 43; minus strand). Cytogenetic location: 17q22.
Variant type: single nucleotide variant.
Coding change: c.857G>A on transcript NM_017763.6 (MANE Select); coding-DNA position 857, G replaced by A.
Protein change: p.Arg286Gln; replaces arginine 286 with glutamine.
Molecular consequence: missense variant.
Genome position (GRCh38, 1-based): chr17:58,360,244, C>T on the plus strand (G>A on the coding strand, the complement: RNF43 is on the minus strand). VCF-style: chr17-58360244-C-T. GRCh37 (hg19) VCF-style: chr17-56437605-C-T.
Other names: c.857G>A, p.Arg286Gln (NM_001305544.3); c.476G>A, p.Arg159Gln (NM_001305545.2); c.857G>A (NM_017763.4); short protein forms R286Q, R159Q.
Identifiers: ClinVar variation 1449768 (VCV001449768.12), dbSNP rs1329721997, ClinGen allele CA400333602.